The following is an entry in ClinVar:

NM_015221.4(DNMBP):c.2261-21193G>A

Genes: DNMBP (dynamin binding protein; minus strand), DNMBP-AS1 (DNMBP antisense RNA 1; plus strand). Cytogenetic location: 10q24.2.
Variant type: single nucleotide variant.
Coding change: c.2261-21193G>A on transcript NM_015221.4 (MANE Select); 21193 bases into the intron before coding-DNA position 2261, G replaced by A.
Molecular consequence: intron variant. On other transcripts: missense variant (1).
Genome position (GRCh38, 1-based): chr10:99,930,339, C>T on the plus strand (G>A on the coding strand, the complement: DNMBP is on the minus strand). VCF-style: chr10-99930339-C-T. GRCh37 (hg19) VCF-style: chr10-101690096-C-T.
Other names: c.425G>A, p.Cys142Tyr (NM_001318326.2); short protein forms C142Y.
Identifiers: ClinVar variation 3040160 (VCV003040160.2), dbSNP rs79660497, ClinGen allele CA5645013.

ClinVar aggregate classification (germline): Benign (0 of 4 stars; one submission).

Conditions:
DNMBP-related disorder. Also called: DNMBP-related condition.

Allele frequency attached by ClinVar (database versions not stated): ExAC 0.00049; gnomAD 0.00119; TOPMed 0.00153; 1000 Genomes Project 0.00699; 1000 Genomes Project 30x 0.00718.
gnomAD v4.1: 1,405 of 703,024 alleles (0.2%); highest among the groups gnomAD compares: East Asian, 3.5%; 31 homozygotes.

Submission:

PreventionGenetics, part of Exact Sciences
Classification: Benign for DNMBP-related condition. Last evaluated: 2019-10-28. Review status: no assertion criteria provided. Collection method: clinical testing. Allele origin: germline.
Comment: This variant is classified as benign based on ACMG/AMP sequence variant interpretation guidelines (Richards et al. 2015 PMID: 25741868, with internal and published modifications).